The following is an entry in ClinVar:

NM_181882.3(PRX):c.3866C>A (p.Ala1289Asp)

Gene: PRX (periaxin; minus strand). Cytogenetic location: 19q13.2.
Variant type: single nucleotide variant.
Coding change: c.3866C>A on transcript NM_181882.3 (MANE Select); coding-DNA position 3866, C replaced by A.
Protein change: p.Ala1289Asp; replaces alanine 1289 with aspartic acid.
Molecular consequence: missense variant. On other transcripts: 3 prime UTR variant (1).
Genome position (GRCh38, 1-based): chr19:40,394,486, G>T on the plus strand (C>A on the coding strand, the complement: PRX is on the minus strand). VCF-style: chr19-40394486-G-T. GRCh37 (hg19) VCF-style: chr19-40900393-G-T.
Other names: c.*4071C>A (NM_020956.2); short protein forms A1289D.
Identifiers: ClinVar variation 953852 (VCV000953852.9), dbSNP rs752531823, ClinGen allele CA9443762.
Genomic context (GRCh38, chr19:40,394,486, plus strand): 5'-GGCAGCCGTACCTTGAGCTTGTGTCCGGCCTCTCCCTCCCCCTCTGCCACCTGGTACTCG[G>T]CATGGTTGCCCCCGGATGGCGAGAGCTCCACGTCGGGCAGTGAGAGGCAGAAGGTACGCT-3'
Protein context (NP_870998.2, residues 1279-1299): VELSPSGGNH[Ala1289Asp]EYQVAEGEGE

ClinVar aggregate classification (germline): Uncertain significance. Review status: criteria provided, multiple submitters, no conflicts (2 of 4 stars). 2 submissions from 2 submitters: Uncertain significance (2). Last evaluated 2025-01-01.

Conditions:
Inborn genetic diseases. Identifiers: MedGen C0950123, MeSH D030342.
Charcot-Marie-Tooth disease type 4. Also called: Charcot-Marie-Tooth, Type 4; Charcot-Marie-Tooth disease, type IV. Identifiers: Orphanet 64749, MedGen C4082197, MONDO:0018995.

Allele frequency attached by ClinVar (database versions not stated): gnomAD exomes 0.00002 and 0.00004; ExAC 0.00003; gnomAD 0.00003; TOPMed 0.00003.

Submissions (2):

Ambry Genetics
Classification: Uncertain significance for Inborn genetic diseases. Last evaluated: 2025-01-01. Review status: criteria provided, single submitter. Criteria: Ambry Variant Classification Scheme 2023. Collection method: clinical testing. Allele origin: germline.

Labcorp Genetics (formerly Invitae), Labcorp
Classification: Uncertain significance for Charcot-Marie-Tooth disease type 4. Last evaluated: 2022-02-01. Review status: criteria provided, single submitter. Criteria: Invitae Variant Classification Sherloc (09022015). Collection method: clinical testing. Allele origin: germline.
Comment: This sequence change replaces alanine, which is neutral and non-polar, with aspartic acid, which is acidic and polar, at codon 1289 of the PRX protein (p.Ala1289Asp). The frequency data for this variant in the population databases is considered unreliable, as metrics indicate poor data quality at this position in the gnomAD database. This variant has not been reported in the literature in individuals affected with PRX-related conditions. ClinVar contains an entry for this variant (Variation ID: 953852). Algorithms developed to predict the effect of missense changes on protein structure and function are either unavailable or do not agree on the potential impact of this missense change (SIFT: "Tolerated"; PolyPhen-2: "Possibly Damaging"; Align-GVGD: "Class C0"). In summary, the available evidence is currently insufficient to determine the role of this variant in disease. Therefore, it has been classified as a Variant of Uncertain Significance.